The following is an entry in ClinVar:

ClinVar aggregate classification (germline): Uncertain significance (1 of 4 stars; one submission).

Conditions:
Hereditary cancer-predisposing syndrome. Also called: Hereditary Cancer Syndrome; Neoplastic Syndromes, Hereditary; Tumor predisposition; Hereditary neoplastic syndrome. Identifiers: Orphanet 140162, MedGen C0027672, MeSH D009386, MONDO:0015356.

Submission:

Ambry Genetics
Classification: Uncertain significance for Hereditary cancer-predisposing syndrome. Last evaluated: 2026-07-05. Review status: criteria provided, single submitter. Criteria: Ambry Variant Classification Scheme 2023. Collection method: clinical testing. Allele origin: germline.
Comment: The p.N1616Y variant (also known as c.4846A>T), located in coding exon 22 of the DICER1 gene, results from an A to T substitution at nucleotide position 4846. The asparagine at codon 1616 is replaced by tyrosine, an amino acid with dissimilar properties. This amino acid position is conserved. In addition, this alteration is predicted to be tolerated by in silico analysis. Based on the available evidence, the clinical significance of this variant remains unclear.

NM_177438.3(DICER1):c.4846A>T (p.Asn1616Tyr)

Gene: DICER1 (dicer 1, ribonuclease III; minus strand). Cytogenetic location: 14q32.13.
Variant type: single nucleotide variant.
Coding change: c.4846A>T on transcript NM_177438.3 (MANE Select); coding-DNA position 4846, A replaced by T.
Protein change: p.Asn1616Tyr; replaces asparagine 1616 with tyrosine.
Molecular consequence: missense variant. On other transcripts: non-coding transcript variant (6).
Genome position (GRCh38, 1-based): chr14:95,096,074, T>A on the plus strand (A>T on the coding strand, the complement: DICER1 is on the minus strand). VCF-style: chr14-95096074-T-A. GRCh37 (hg19) VCF-style: chr14-95562411-T-A.
Other names: c.4846A>T, p.Asn1616Tyr (NM_001195573.1, NM_001271282.3, NM_001291628.2 and 12 more transcripts); c.4564A>T, p.Asn1522Tyr (NM_001395686.1); c.4441A>T, p.Asn1481Tyr (NM_001395687.1, NM_001395688.1, NM_001395689.1 and 2 more transcripts); c.4279A>T, p.Asn1427Tyr (NM_001395691.1); c.3163A>T, p.Asn1055Tyr (NM_001395697.1); short protein forms N1055Y, N1522Y, N1616Y, N1427Y, N1481Y.
Identifiers: ClinVar variation 5035241 (VCV005035241.1).